The following is an entry in ClinVar:

NM_198578.4(LRRK2):c.3038T>C (p.Leu1013Pro)

Gene: LRRK2 (leucine rich repeat kinase 2; plus strand). Cytogenetic location: 12q12.
Variant type: single nucleotide variant.
Coding change: c.3038T>C on transcript NM_198578.4 (MANE Select); coding-DNA position 3038, T replaced by C.
Protein change: p.Leu1013Pro; replaces leucine 1013 with proline.
Molecular consequence: missense variant.
Genome position (GRCh38, 1-based): chr12:40,295,586, T>C. VCF-style: chr12-40295586-T-C. GRCh37 (hg19) VCF-style: chr12-40689388-T-C.
Other names: short protein forms L1013P.
Identifiers: ClinVar variation 2562420 (VCV002562420.2), dbSNP rs2499729556, ClinGen allele CA384412929.

ClinVar aggregate classification (germline): Uncertain significance (1 of 4 stars; one submission).

Conditions:
Inborn genetic diseases. Identifiers: MedGen C0950123, MeSH D030342.

Submission:

Ambry Genetics
Classification: Uncertain significance for Inborn genetic diseases. Last evaluated: 2023-05-11. Review status: criteria provided, single submitter. Criteria: Ambry Variant Classification Scheme 2023. Collection method: clinical testing. Allele origin: germline.
Comment: The p.L1013P variant (also known as c.3038T>C), located in coding exon 23 of the LRRK2 gene, results from a T to C substitution at nucleotide position 3038. The leucine at codon 1013 is replaced by proline, an amino acid with similar properties. This amino acid position is conserved. In addition, this alteration is predicted to be deleterious by in silico analysis. Since supporting evidence is limited at this time, the clinical significance of this alteration remains unclear.